The following is an entry in ClinVar:

NM_004991.4(MECOM):c.1519C>A (p.Pro507Thr)

Gene: MECOM (MDS1 and EVI1 complex locus; minus strand). Cytogenetic location: 3q26.2.
Variant type: single nucleotide variant.
Coding change: c.1519C>A on transcript NM_004991.4 (MANE Select); coding-DNA position 1519, C replaced by A.
Protein change: p.Pro507Thr; replaces proline 507 with threonine.
Molecular consequence: missense variant. On other transcripts: intron variant (2).
Genome position (GRCh38, 1-based): chr3:169,116,353, G>T on the plus strand (C>A on the coding strand, the complement: MECOM is on the minus strand). VCF-style: chr3-169116353-G-T. GRCh37 (hg19) VCF-style: chr3-168834141-G-T.
Other names: c.1150C>A, p.Pro384Thr (NM_001105077.4); c.955C>A, p.Pro319Thr (NM_001105078.4, NM_001164000.2, NM_001205194.2 and 4 more transcripts); c.958C>A, p.Pro320Thr (NM_001163999.2, NM_001366467.2, NM_001366468.2 and 1 more transcripts); c.1519C>A, p.Pro507Thr (NM_001366466.2); c.1133-586C>A (NM_001366473.2); c.569-586C>A (NM_001366474.2); short protein forms P319T, P384T, P320T, P507T.
Identifiers: ClinVar variation 4842775 (VCV004842775.1).

ClinVar aggregate classification (germline): Uncertain significance (1 of 4 stars; one submission).

Conditions:
Inborn genetic diseases. Identifiers: MedGen C0950123, MeSH D030342.

Submission:

Ambry Genetics
Classification: Uncertain significance for Inborn genetic diseases. Last evaluated: 2026-01-13. Review status: criteria provided, single submitter. Criteria: Ambry Variant Classification Scheme 2023. Collection method: clinical testing. Allele origin: germline.
Comment: The p.P507T variant (also known as c.1519C>A), located in coding exon 8 of the MECOM gene, results from a C to A substitution at nucleotide position 1519. The proline at codon 507 is replaced by threonine, an amino acid with highly similar properties. This amino acid position is conserved. In addition, the in silico prediction for this alteration is inconclusive. Based on the available evidence, the clinical significance of this variant remains unclear.